The following is an entry in ClinVar:

ClinVar aggregate classification (germline): Uncertain significance (1 of 4 stars; one submission).

Allele frequency attached by ClinVar (database versions not stated): TOPMed 0.00001.

Submission:

Labcorp Genetics (formerly Invitae), Labcorp
Classification: Uncertain significance. Last evaluated: 2019-12-27. Review status: criteria provided, single submitter. Criteria: Invitae Variant Classification Sherloc (09022015). Collection method: clinical testing. Allele origin: germline.
Comment: Algorithms developed to predict the effect of missense changes on protein structure and function output the following: SIFT: "Tolerated"; PolyPhen-2: "Benign"; Align-GVGD: "Class C0". The glutamic acid amino acid residue is found in multiple mammalian species, suggesting that this missense change does not adversely affect protein function. These predictions have not been confirmed by published functional studies and their clinical significance is uncertain. In summary, the available evidence is currently insufficient to determine the role of this variant in disease. Therefore, it has been classified as a Variant of Uncertain Significance. This variant has not been reported in the literature in individuals with A2ML1-related conditions. This variant is not present in population databases (ExAC no frequency). This sequence change replaces lysine with glutamic acid at codon 220 of the A2ML1 protein (p.Lys220Glu). The lysine residue is moderately conserved and there is a small physicochemical difference between lysine and glutamic acid.

NM_144670.6(A2ML1):c.658A>G (p.Lys220Glu)

Gene: A2ML1 (alpha-2-macroglobulin like 1; plus strand). Cytogenetic location: 12p13.31.
Variant type: single nucleotide variant.
Coding change: c.658A>G on transcript NM_144670.6 (MANE Select); coding-DNA position 658, A replaced by G.
Protein change: p.Lys220Glu; replaces lysine 220 with glutamic acid.
Molecular consequence: missense variant.
Genome position (GRCh38, 1-based): chr12:8,836,269, A>G. VCF-style: chr12-8836269-A-G. GRCh37 (hg19) VCF-style: chr12-8988865-A-G.
Other names: short protein forms K220E.
Identifiers: ClinVar variation 843615 (VCV000843615.9), dbSNP rs201550299, ClinGen allele CA232670243.